The following is an entry in ClinVar:

NM_021098.3(CACNA1H):c.5071C>A (p.Leu1691Met)

Gene: CACNA1H (calcium voltage-gated channel subunit alpha1 H; plus strand). Cytogenetic location: 16p13.3.
Variant type: single nucleotide variant.
Coding change: c.5071C>A on transcript NM_021098.3 (MANE Select); coding-DNA position 5071, C replaced by A.
Protein change: p.Leu1691Met; replaces leucine 1691 with methionine.
Molecular consequence: missense variant.
Genome position (GRCh38, 1-based): chr16:1,215,273, C>A. VCF-style: chr16-1215273-C-A. GRCh37 (hg19) VCF-style: chr16-1265273-C-A.
Other names: c.5053C>A, p.Leu1685Met (NM_001005407.2); short protein forms L1685M, L1691M.
Identifiers: ClinVar variation 3371396 (VCV003371396.2).

ClinVar aggregate classification (germline): Uncertain significance. Review status: criteria provided, multiple submitters, no conflicts (2 of 4 stars). 2 submissions from 2 submitters: Uncertain significance (2). Last evaluated 2025-08-24.

Conditions:
Inborn genetic diseases. Identifiers: MedGen C0950123, MeSH D030342.

Submissions (2):

Ambry Genetics
Classification: Uncertain significance for Inborn genetic diseases. Last evaluated: 2025-08-24. Review status: criteria provided, single submitter. Criteria: Ambry Variant Classification Scheme 2023. Collection method: clinical testing. Allele origin: germline.

GeneDx
Classification: Uncertain significance. Last evaluated: 2024-03-22. Review status: criteria provided, single submitter. Criteria: GeneDx Variant Classification Process June 2021. Collection method: clinical testing. Allele origin: germline. Affected: yes.
Comment: Not observed at significant frequency in large population cohorts (gnomAD); In silico analysis supports that this missense variant does not alter protein structure/function; Has not been previously published as pathogenic or benign to our knowledge